The following is an entry in ClinVar:

NC_000004.11:g.(?_55604585)_(55604723_?)del

Gene: KIT (KIT proto-oncogene, receptor tyrosine kinase; plus strand). Cytogenetic location: 4q12.
Variant type: Deletion.
Identifiers: ClinVar variation 2422603 (VCV002422603.11).

ClinVar aggregate classification (germline): Uncertain significance (1 of 4 stars; one submission).

Conditions:
Gastrointestinal stromal tumor. Also called: Gastrointestinal stroma tumor; Gastrointestinal stromal tumor, somatic. Identifiers: Orphanet 44890, MedGen C0238198, MeSH D046152, MONDO:0011719, OMIM 606764, HP:0100723.

Submission:

Labcorp Genetics (formerly Invitae), Labcorp
Classification: Uncertain significance for Gastrointestinal stromal tumor. Last evaluated: 2022-03-19. Review status: criteria provided, single submitter. Criteria: Invitae Variant Classification Sherloc (09022015). Collection method: clinical testing. Allele origin: germline.
Comment: In summary, the available evidence is currently insufficient to determine the role of this variant in disease. Therefore, it has been classified as a Variant of Uncertain Significance. Experimental studies and prediction algorithms are not available or were not evaluated, and the functional significance of this variant is currently unknown. This variant has not been reported in the literature in individuals affected with KIT-related conditions. This variant is a gross deletion of the genomic region encompassing exon(s) 21 of the KIT gene, which includes the termination codon. This deletion extends beyond the assayed region for this gene and therefore may encompass additional genes. While this deletion is not anticipated to lead to nonsense mediated decay, it is expected to alter mRNA translation or result in a truncated protein product.